The following is an entry in ClinVar:

ClinVar aggregate classification (germline): Benign/Likely benign. Review status: criteria provided, multiple submitters, no conflicts (2 of 4 stars). 9 submissions from 9 submitters: Benign (2); Likely benign (6). 1 of the submissions does not count toward it. Last evaluated 2025-12-27.

Conditions:
Autosomal dominant cerebellar ataxia. Also called: Spinocerebellar Ataxia, Dominant. Identifiers: Orphanet 99, MedGen C4087347, MONDO:0020380.
ITPR1-related disorder. Also called: ITPR1-related condition.

Allele frequency attached by ClinVar (database versions not stated): 1000 Genomes Project 30x 0.00031; 1000 Genomes Project 0.00040; gnomAD 0.00076 and 0.00078; TOPMed 0.00078; gnomAD exomes 0.00091 and 0.00145; ExAC 0.00110; ESP Exome Variant Server 0.00112.
gnomAD v4.1: 2,206 of 1,613,884 alleles (0.14%); highest among the groups gnomAD compares: Non-Finnish European, 0.17%; no homozygotes.

Submissions (9):

Labcorp Genetics (formerly Invitae), Labcorp
Classification: Likely benign. Last evaluated: 2025-12-27. Review status: criteria provided, single submitter. Criteria: Invitae Variant Classification Sherloc (09022015). Collection method: clinical testing. Allele origin: germline.

CeGaT Center for Human Genetics Tuebingen
Classification: Likely benign. Last evaluated: 2025-10-01. Review status: criteria provided, single submitter. Criteria: CeGaT Center For Human Genetics Tuebingen Variant Classification Criteria Version 2. Collection method: clinical testing. Allele origin: germline. Affected: yes. Observed: 4 variant alleles.
Comment: ITPR1: BP4, BP7

Mayo Clinic Laboratories, Mayo Clinic
Classification: Likely benign. Last evaluated: 2025-06-12. Review status: criteria provided, single submitter. Criteria: ACMG Guidelines, 2015. Collection method: clinical testing. Allele origin: germline. Observed: 4 variant alleles.
Comment: BS1, BP4, BP7

Women's Health and Genetics/Laboratory Corporation of America, LabCorp
Classification: Likely benign. Last evaluated: 2025-05-21. Review status: criteria provided, single submitter. Criteria: LabCorp Variant Classification Summary - May 2015. Collection method: clinical testing. Allele origin: germline.

Blueprint Genetics
Classification: Likely benign. Last evaluated: 2024-11-26. Review status: criteria provided, single submitter. Criteria: ACMG Guidelines, 2015. Collection method: clinical testing. Allele origin: germline.

Athena Diagnostics
Classification: Benign. Last evaluated: 2024-09-16. Review status: criteria provided, single submitter. Criteria: Athena Diagnostics Criteria. Collection method: clinical testing. Allele origin: unknown.

GeneDx
Classification: Likely benign. Last evaluated: 2021-04-09. Review status: criteria provided, single submitter. Criteria: GeneDx Variant Classification Process June 2021. Collection method: clinical testing. Allele origin: germline. Affected: yes.

Illumina Laboratory Services, Illumina
Classification: Benign for Spinocerebellar Ataxia, Dominant. Last evaluated: 2018-01-12. Review status: criteria provided, single submitter. Criteria: ICSL Variant Classification Criteria 13 December 2019. Collection method: clinical testing. Allele origin: germline.
Comment: This variant was observed in the ICSL laboratory as part of a predisposition screen in an ostensibly healthy population. It had not been previously curated by ICSL or reported in the Human Gene Mutation Database (HGMD: prior to June 1st, 2018), and was therefore a candidate for classification through an automated scoring system. Utilizing variant allele frequency, disease prevalence and penetrance estimates, and inheritance mode, an automated score was calculated to assess if this variant is too frequent to cause the disease. Based on the score and internal cut-off values, a variant classified as benign is not then subjected to further curation. The score for this variant resulted in a classification of benign for this disease.

PreventionGenetics, part of Exact Sciences
Classification: Likely benign for ITPR1-related condition. Last evaluated: 2019-05-21. Review status: no assertion criteria provided. Collection method: clinical testing. Allele origin: germline. Not counted in ClinVar's aggregate classification.
Comment: This variant is classified as likely benign based on ACMG/AMP sequence variant interpretation guidelines (Richards et al. 2015 PMID: 25741868, with internal and published modifications).

NM_001378452.1(ITPR1):c.5466C>T (p.Asn1822=)

Gene: ITPR1 (inositol 1,4,5-trisphosphate receptor type 1; plus strand). Cytogenetic location: 3p26.1.
Variant type: single nucleotide variant.
Coding change: c.5466C>T on transcript NM_001378452.1 (MANE Select); coding-DNA position 5466, C replaced by T.
Protein change: p.Asn1822=; no amino-acid change (asparagine 1822 retained).
Molecular consequence: synonymous variant.
Genome position (GRCh38, 1-based): chr3:4,735,276, C>T. VCF-style: chr3-4735276-C-T. GRCh37 (hg19) VCF-style: chr3-4776960-C-T.
Other names: p.Asn1759=; c.5322C>T, p.Asn1774= (NM_001099952.4); c.5421C>T, p.Asn1807= (NM_001168272.2); c.5277C>T, p.Asn1759= (NM_002222.7); c.5277C>T (NM_002222.6).
Identifiers: ClinVar variation 345749 (VCV000345749.52), dbSNP rs113368815, ClinGen allele CA2232342.